The following is an entry in ClinVar:

ClinVar aggregate classification (germline): Uncertain significance. Review status: criteria provided, multiple submitters, no conflicts (2 of 4 stars). 2 submissions from 2 submitters: Uncertain significance (2). Last evaluated 2025-08-26.

Conditions:
LZTS1-related disorder. Also called: LZTS1-related condition.

Allele frequency attached by ClinVar (database versions not stated): TOPMed 0.00001; gnomAD 0.00005; ExAC 0.00008.
gnomAD v4.1: 42 of 1,587,994 alleles (0.0026%); highest among the groups gnomAD compares: Middle Eastern, 0.033%; no homozygotes.

Submissions (2):

PreventionGenetics, part of Exact Sciences
Classification: Uncertain significance for LZTS1-related condition. Last evaluated: 2025-08-26. Review status: criteria provided, single submitter. Criteria: ACMG Guidelines, 2015. Collection method: clinical testing. Allele origin: germline.
Comment: The LZTS1 c.940G>A variant is predicted to result in the amino acid substitution p.Gly314Ser. To our knowledge, this variant has not been reported in the literature. This variant is reported in 0.011% of alleles in individuals of East Asian descent in gnomAD. Although we suspect that this variant may be benign, at this time, the clinical significance of this variant is uncertain due to the absence of conclusive functional and genetic evidence.

Labcorp Genetics (formerly Invitae), Labcorp
Classification: Uncertain significance. Last evaluated: 2022-12-15. Review status: criteria provided, single submitter. Criteria: Invitae Variant Classification Sherloc (09022015). Collection method: clinical testing. Allele origin: germline.
Comment: This variant is present in population databases (rs202065528, gnomAD 0.01%). In summary, the available evidence is currently insufficient to determine the role of this variant in disease. Therefore, it has been classified as a Variant of Uncertain Significance. Advanced modeling of protein sequence and biophysical properties (such as structural, functional, and spatial information, amino acid conservation, physicochemical variation, residue mobility, and thermodynamic stability) performed at Invitae indicates that this missense variant is not expected to disrupt LZTS1 protein function. This variant has not been reported in the literature in individuals affected with LZTS1-related conditions. This sequence change replaces glycine, which is neutral and non-polar, with serine, which is neutral and polar, at codon 314 of the LZTS1 protein (p.Gly314Ser).

NM_021020.5(LZTS1):c.940G>A (p.Gly314Ser)

Gene: LZTS1 (leucine zipper tumor suppressor 1; minus strand). Cytogenetic location: 8p21.3.
Variant type: single nucleotide variant.
Coding change: c.940G>A on transcript NM_021020.5 (MANE Select); coding-DNA position 940, G replaced by A.
Protein change: p.Gly314Ser; replaces glycine 314 with serine.
Molecular consequence: missense variant.
Genome position (GRCh38, 1-based): chr8:20,252,991, C>T on the plus strand (G>A on the coding strand, the complement: LZTS1 is on the minus strand). VCF-style: chr8-20252991-C-T. GRCh37 (hg19) VCF-style: chr8-20110502-C-T.
Other names: c.940G>A (NM_021020.3); c.940G>A, p.Gly314Ser (NM_001362884.2); short protein forms G314S.
Identifiers: ClinVar variation 3016225 (VCV003016225.4), dbSNP rs202065528, ClinGen allele CA4657402.